The following is an entry in ClinVar:

NM_181705.4(LYRM7):c.103A>T (p.Lys35Ter)

Gene: LYRM7 (LYR motif containing 7; plus strand). Cytogenetic location: 5q23.3.
Variant type: single nucleotide variant.
Coding change: c.103A>T on transcript NM_181705.4 (MANE Select); coding-DNA position 103, A replaced by T.
Protein change: p.Lys35Ter; replaces lysine 35 with a stop codon.
Molecular consequence: nonsense.
Genome position (GRCh38, 1-based): chr5:131,182,240, A>T. VCF-style: chr5-131182240-A-T. GRCh37 (hg19) VCF-style: chr5-130517933-A-T.
Other names: p.Lys35Ter; c.103A>T, p.Lys35Ter (NM_001293735.2); short protein forms K35*.
Identifiers: ClinVar variation 4879980 (VCV004879980.1).

ClinVar aggregate classification (germline): Likely pathogenic (1 of 4 stars; one submission).

Conditions:
Mitochondrial complex III deficiency nuclear type 8. Identifiers: MedGen C4014440, MONDO:0014364, OMIM 615838.

Submission:

Foundation for Research in Genetics and Endocrinology, FRIGE's Institute of Human Genetics
Classification: Likely pathogenic for Mitochondrial complex III deficiency nuclear type 8. Last evaluated: 2026-03-12. Review status: criteria provided, single submitter. Criteria: ACMG Guidelines, 2015. Collection method: clinical testing. Allele origin: germline. Inheritance: Autosomal recessive inheritance. Affected: yes. Observed: 1 variant allele, 1 homozygote.
Comment: A homozygous variant, c.103A>T in exon 3 of the LYRM7 gene that results in a premature termination codon at amino acid 35 was detected. This variant has not been reported in the 1000 genomes and gnomAD databases. The truncated protein is predicted to have a length of 34 amino acids (aa) as opposed to the original length of 104 aa. The resultant protein is likely to lack the C-terminal region of the protein [UniProt]; this will likely result in loss-of-function. The in-silico prediction of the variant is deleterious by MutationTaster and DANN. In summary, the variant meets our criteria to be classified as likely pathogenic.